The following is an entry in ClinVar:

ClinVar aggregate classification (germline): Conflicting classifications of pathogenicity. Review status: criteria provided, conflicting classifications (1 of 4 stars). 9 submissions from 9 submitters: Uncertain significance (7); Benign (1). 1 of the submissions does not count toward it. Last evaluated 2025-06-29.

Conditions:
Primary ciliary dyskinesia 3. Identifiers: Orphanet 244, MedGen C1837618, MONDO:0012085, OMIM 608644.
Primary ciliary dyskinesia. Also called: Ciliary dyskinesia. Identifiers: Orphanet 244, MedGen C0008780, MONDO:0016575, HP:0012265.

Allele frequency attached by ClinVar (database versions not stated): TOPMed 0.00012; gnomAD exomes 0.00023 and 0.00031; ExAC 0.00038; gnomAD 0.00003.
gnomAD v4.1: 358 of 1,613,970 alleles (0.022%); highest among the groups gnomAD compares: South Asian, 0.18%; 3 homozygotes.

Submissions (9):

Labcorp Genetics (formerly Invitae), Labcorp
Classification: Benign for Primary ciliary dyskinesia. Last evaluated: 2025-06-29. Review status: criteria provided, single submitter. Criteria: Invitae Variant Classification Sherloc (09022015). Collection method: clinical testing. Allele origin: germline.

Blueprint Genetics
Classification: Uncertain significance. Last evaluated: 2024-11-20. Review status: criteria provided, single submitter. Criteria: ACMG Guidelines, 2015. Collection method: clinical testing. Allele origin: germline.

GeneDx
Classification: Uncertain significance. Last evaluated: 2024-06-24. Review status: criteria provided, single submitter. Criteria: GeneDx Variant Classification Process June 2021. Collection method: clinical testing. Allele origin: germline. Affected: yes.
Comment: Identified in two patients in published literature with primary ciliary dyskinesia who harbored another DNAH5 variant on the opposite allele (in trans), but one of these patients was also reported to harbor another DNAH5 variant on the same allele (in cis) with p.(S3861R) as well (PMID: 26228299, 27637300); In silico analysis supports that this missense variant has a deleterious effect on protein structure/function; This variant is associated with the following publications: (PMID: 22416021, 34426522, 26228299, 27637300)

Fulgent Genetics
Classification: Uncertain significance for Primary ciliary dyskinesia 3. Last evaluated: 2022-04-11. Review status: criteria provided, single submitter. Criteria: ACMG Guidelines, 2015. Collection method: clinical testing. Allele origin: unknown.

Genome-Nilou Lab
Classification: Uncertain significance for Primary ciliary dyskinesia 3. Last evaluated: 2021-05-18. Review status: criteria provided, single submitter. Criteria: ACMG Guidelines, 2015. Collection method: clinical testing. Allele origin: germline. Affected: no.

Centre for Mendelian Genomics, University Medical Centre Ljubljana
Classification: Uncertain significance for Primary ciliary dyskinesia 3. Last evaluated: 2020-03-12. Review status: criteria provided, single submitter. Criteria: ACMG Guidelines, 2015. Collection method: clinical testing. Allele origin: unknown. Affected: yes.
Comment: This variant was classified as: Uncertain significance. The available evidence favors the pathogenic nature of this variant, however the currently available data is insufficient to conclusively support its pathogenic nature. Thus this variant is classified as Uncertain significance - favor pathogenic. The following ACMG criteria were applied in classifying this variant: PP3.

Ambry Genetics
Classification: Uncertain significance for Primary ciliary dyskinesia. Last evaluated: 2018-03-16. Review status: criteria provided, single submitter. Criteria: Ambry Variant Classification Scheme 2023. Collection method: clinical testing. Allele origin: germline.
Comment: The p.S3861R variant (also known as c.11583C>A), located in coding exon 68 of the DNAH5 gene, results from a C to A substitution at nucleotide position 11583. The serine at codon 3861 is replaced by arginine, an amino acid with dissimilar properties. In addition, this variant was confirmed in trans with a frameshift alteration in a an adult with situs inversus, rhinitis, sinusitis, bronchitis, bronchopneumonia, asthma, and outer dynein arm defect on electron microscopy (Boaretto F et al. J Mol Diagn, 2016 11;18:912-922). This amino acid position is well conserved in available vertebrate species. In addition, the in silico prediction for this alteration is inconclusive. Based on available evidence to date, the clinical significance of this alteration remains unclear.

Illumina Laboratory Services, Illumina
Classification: Uncertain significance for Primary ciliary dyskinesia 3. Last evaluated: 2017-04-27. Review status: criteria provided, single submitter. Criteria: ICSL Variant Classification Criteria 13 December 2019. Collection method: clinical testing. Allele origin: germline.
Comment: This variant was observed as part of a predisposition screen in an ostensibly healthy population. A literature search was performed for the gene, cDNA change, and amino acid change (where applicable). Publications were found based on this search. However, the evidence from the literature, in combination with allele frequency data from public databases where available, was not sufficient to rule this variant in or out of causing disease. Therefore, this variant is classified as a variant of unknown significance.

Natera, Inc.
Classification: Uncertain significance for Primary ciliary dyskinesia. Last evaluated: 2020-02-12. Review status: no assertion criteria provided. Collection method: clinical testing. Allele origin: germline. Not counted in ClinVar's aggregate classification.

Literature cited by the submitters: PubMed 22416021 (cited by Ambry Genetics and Illumina Laboratory Services, Illumina); PubMed 27637300 (cited by Ambry Genetics).

NM_001369.3(DNAH5):c.11583C>A (p.Ser3861Arg)

Gene: DNAH5 (dynein axonemal heavy chain 5; minus strand). Cytogenetic location: 5p15.2.
Variant type: single nucleotide variant.
Coding change: c.11583C>A on transcript NM_001369.3 (MANE Select); coding-DNA position 11583, C replaced by A.
Protein change: p.Ser3861Arg; replaces serine 3861 with arginine.
Molecular consequence: missense variant.
Genome position (GRCh38, 1-based): chr5:13,735,309, G>T on the plus strand (C>A on the coding strand, the complement: DNAH5 is on the minus strand). VCF-style: chr5-13735309-G-T. GRCh37 (hg19) VCF-style: chr5-13735418-G-T.
Other names: short protein forms S3861R.
Identifiers: ClinVar variation 381547 (VCV000381547.25), dbSNP rs576096758, ClinGen allele CA3201900.